The following is an entry in ClinVar:

NM_005138.3(SCO2):c.241G>A (p.Glu81Lys)

Genes: NCAPH2 (non-SMC condensin II complex subunit H2; plus strand), SCO2 (synthesis of cytochrome C oxidase 2; minus strand). Cytogenetic location: 22q13.33.
Variant type: single nucleotide variant.
Coding change: c.241G>A on transcript NM_005138.3 (MANE Select); coding-DNA position 241, G replaced by A.
Protein change: p.Glu81Lys; replaces glutamic acid 81 with lysine.
Molecular consequence: missense variant. On other transcripts: 3 prime UTR variant (2).
Genome position (GRCh38, 1-based): chr22:50,524,171, C>T on the plus strand (G>A on the coding strand, the complement: SCO2 is on the minus strand). VCF-style: chr22-50524171-C-T. GRCh37 (hg19) VCF-style: chr22-50962600-C-T.
Other names: c.*796C>T (NM_001185011.2, NM_152299.4); c.241G>A, p.Glu81Lys (NM_001169109.2, NM_001169110.1, NM_001169111.2); short protein forms E81K.
Identifiers: ClinVar variation 2419441 (VCV002419441.3), dbSNP rs1439351743, ClinGen allele CA412193483.

ClinVar aggregate classification (germline): Uncertain significance (1 of 4 stars; one submission).

Allele frequency attached by ClinVar (database versions not stated): gnomAD exomes below 0.00001; TOPMed below 0.00001.
gnomAD v4.1: 1 of 1,610,356 alleles (0.000062%); highest among the groups gnomAD compares: Admixed American, 0.0017%; no homozygotes.

Submission:

Labcorp Genetics (formerly Invitae), Labcorp
Classification: Uncertain significance. Last evaluated: 2022-06-30. Review status: criteria provided, single submitter. Criteria: Invitae Variant Classification Sherloc (09022015). Collection method: clinical testing. Allele origin: germline.
Comment: This sequence change replaces glutamic acid, which is acidic and polar, with lysine, which is basic and polar, at codon 81 of the SCO2 protein (p.Glu81Lys). This variant is not present in population databases (gnomAD no frequency). This variant has not been reported in the literature in individuals affected with SCO2-related conditions. Algorithms developed to predict the effect of missense changes on protein structure and function output the following: SIFT: "Tolerated"; PolyPhen-2: "Benign"; Align-GVGD: "Class C0". The lysine amino acid residue is found in multiple mammalian species, which suggests that this missense change does not adversely affect protein function. In summary, the available evidence is currently insufficient to determine the role of this variant in disease. Therefore, it has been classified as a Variant of Uncertain Significance.